The following is an entry in ClinVar:

NM_001083614.2(EARS2):c.958+1G>A

Gene: EARS2 (glutamyl-tRNA synthetase 2, mitochondrial; minus strand). Cytogenetic location: 16p12.2.
Variant type: single nucleotide variant.
Coding change: c.958+1G>A on transcript NM_001083614.2 (MANE Select); the canonical splice donor site of the intron after coding-DNA position 958, G replaced by A.
Molecular consequence: splice donor variant.
Genome position (GRCh38, 1-based): chr16:23,534,887, C>T on the plus strand (G>A on the coding strand, the complement: EARS2 is on the minus strand). VCF-style: chr16-23534887-C-T. GRCh37 (hg19) VCF-style: chr16-23546208-C-T.
Other names: c.958+1G>A (NM_001308211.1).
Identifiers: ClinVar variation 3381145 (VCV003381145.1).

ClinVar aggregate classification (germline): Likely pathogenic (1 of 4 stars; one submission).

gnomAD v4.1: 4 of 1,566,202 alleles (0.00026%); highest among the groups gnomAD compares: Non-Finnish European, 0.00026%; no homozygotes.

Submission:

Mayo Clinic Laboratories, Mayo Clinic
Classification: Likely pathogenic. Last evaluated: 2024-06-11. Review status: criteria provided, single submitter. Criteria: ACMG Guidelines, 2015. Collection method: clinical testing. Allele origin: germline. Observed: 2 variant alleles.
Comment: PM2_moderate, PVS1

Literature cited by the submitters: PubMed 22492562.